The following is an entry in ClinVar:

GRCh38/hg38 5p15.33-13.2(chr5:54839-35680845)x3

Genes: ADAMTS12 (ADAM metallopeptidase with thrombospondin type 1 motif 12; minus strand), ADAMTS16 (ADAM metallopeptidase with thrombospondin type 1 motif 16; plus strand), ADAMTS16-AS1 (ADAMTS16 antisense RNA 1; minus strand), ADAMTS16-DT (ADAMTS16 divergent transcript; minus strand), ADCY2 (adenylate cyclase 2; plus strand) and 696 more. Cytogenetic location: 5p15.33-13.2.
Variant type: copy number gain.
Change: copy number 3 (three copies instead of two) of chr5:54,839-35,680,845 (35.63 Mb, GRCh38 coordinates, 1-based), cytogenetic band 5p15.33-13.2.
Identifiers: ClinVar variation 58068 (VCV000058068.3).

ClinVar aggregate classification (germline): Pathogenic (1 of 4 stars; one submission).

Submission:

ISCA Site 6
Classification: Pathogenic. Last evaluated: 2011-08-12. Review status: criteria provided, single submitter. Criteria: Kaminsky et al. (Genet Med. 2011). Collection method: clinical testing. Allele origin: unknown. Affected: yes. Observed: 1 variant allele.
Comment: Copy number variation identified through the course of routine clinical cytogenomic testing in postnatal populations. Clinical assertions have been curated as described in Kaminsky et al. 2011.